The following is an entry in ClinVar:

ClinVar aggregate classification (germline): Conflicting classifications of pathogenicity. Review status: criteria provided, conflicting classifications (1 of 4 stars). 2 submissions from 2 submitters: Uncertain significance (1); Benign (1). Last evaluated 2025-03-26.

Conditions:
Amyotrophic lateral sclerosis type 4 (ALS4). Also called: AMYOTROPHIC LATERAL SCLEROSIS 4, JUVENILE; NEURONOPATHY, DISTAL HEREDITARY MOTOR, WITH PYRAMIDAL FEATURES. Identifiers: Orphanet 357043, MedGen C1865409, MONDO:0011223, OMIM 602433.
Spinocerebellar ataxia, autosomal recessive, with axonal neuropathy 2 (SCAN2). Also called: ATAXIA-OCULOMOTOR APRAXIA 2; Ataxia-ocular apraxia-2; Ataxia with Oculomotor Apraxia; Ataxia with Oculomotor Apraxia Type 2. Identifiers: Orphanet 64753, MedGen C1853761, MONDO:0018996, OMIM 606002.

Submissions (2):

Labcorp Genetics (formerly Invitae), Labcorp
Classification: Benign for Amyotrophic lateral sclerosis type 4; Spinocerebellar ataxia, autosomal recessive, with axonal neuropathy 2. Last evaluated: 2025-03-26. Review status: criteria provided, single submitter. Criteria: Invitae Variant Classification Sherloc (09022015). Collection method: clinical testing. Allele origin: germline.

GeneDx
Classification: Uncertain significance. Last evaluated: 2020-01-17. Review status: criteria provided, single submitter. Criteria: GeneDx Variant Classification Process June 2021. Collection method: clinical testing. Allele origin: germline. Affected: yes.
Comment: Not observed at a significant frequency in large population cohorts (Lek et al., 2016); In silico analysis, which includes protein predictors and evolutionary conservation, supports that this variant does not alter protein structure/function; Has not been previously published as pathogenic or benign to our knowledge

NM_015046.7(SETX):c.4600G>A (p.Asp1534Asn)

Gene: SETX (senataxin; minus strand). Cytogenetic location: 9q34.13.
Variant type: single nucleotide variant.
Coding change: c.4600G>A on transcript NM_015046.7 (MANE Select); coding-DNA position 4600, G replaced by A.
Protein change: p.Asp1534Asn; replaces aspartic acid 1534 with asparagine.
Molecular consequence: missense variant.
Genome position (GRCh38, 1-based): chr9:132,326,998, C>T on the plus strand (G>A on the coding strand, the complement: SETX is on the minus strand). VCF-style: chr9-132326998-C-T. GRCh37 (hg19) VCF-style: chr9-135202385-C-T.
Other names: c.4600G>A, p.Asp1534Asn (NM_001351527.2, NM_001351528.2); short protein forms D1534N.
Identifiers: ClinVar variation 1308858 (VCV001308858.5), dbSNP rs746807833, ClinGen allele CA5297169.